The following is an entry in ClinVar:

NM_015072.5(TTLL5):c.2930A>G (p.Gln977Arg)

Gene: TTLL5 (tubulin tyrosine ligase like 5; plus strand). Cytogenetic location: 14q24.3.
Variant type: single nucleotide variant.
Coding change: c.2930A>G on transcript NM_015072.5 (MANE Select); coding-DNA position 2930, A replaced by G.
Protein change: p.Gln977Arg; replaces glutamine 977 with arginine.
Molecular consequence: missense variant.
Genome position (GRCh38, 1-based): chr14:75,783,474, A>G. VCF-style: chr14-75783474-A-G. GRCh37 (hg19) VCF-style: chr14-76249817-A-G.
Other names: c.2930A>G (NM_015072.4); short protein forms Q977R.
Identifiers: ClinVar variation 1428237 (VCV001428237.11), dbSNP rs576592642, ClinGen allele CA7279840.

ClinVar aggregate classification (germline): Uncertain significance. Review status: criteria provided, multiple submitters, no conflicts (2 of 4 stars). 4 submissions from 4 submitters: Uncertain significance (4). Last evaluated 2025-07-21.

Conditions:
Inborn genetic diseases. Identifiers: MedGen C0950123, MeSH D030342.

Allele frequency attached by ClinVar (database versions not stated): gnomAD 0.00007; gnomAD exomes 0.00010 and 0.00021; ExAC 0.00020; 1000 Genomes Project 0.00060; 1000 Genomes Project 30x 0.00062.

Submissions (4):

Labcorp Genetics (formerly Invitae), Labcorp
Classification: Uncertain significance. Last evaluated: 2025-07-21. Review status: criteria provided, single submitter. Criteria: Invitae Variant Classification Sherloc (09022015). Collection method: clinical testing. Allele origin: germline.
Comment: This sequence change replaces glutamine, which is neutral and polar, with arginine, which is basic and polar, at codon 977 of the TTLL5 protein (p.Gln977Arg). This variant is present in population databases (rs576592642, gnomAD 0.2%). This variant has not been reported in the literature in individuals affected with TTLL5-related conditions. ClinVar contains an entry for this variant (Variation ID: 1428237). Invitae Evidence Modeling of protein sequence and biophysical properties (such as structural, functional, and spatial information, amino acid conservation, physicochemical variation, residue mobility, and thermodynamic stability) indicates that this missense variant is not expected to disrupt TTLL5 protein function with a negative predictive value of 80%. In summary, the available evidence is currently insufficient to determine the role of this variant in disease. Therefore, it has been classified as a Variant of Uncertain Significance.

Ambry Genetics
Classification: Uncertain significance for Inborn genetic diseases. Last evaluated: 2025-06-25. Review status: criteria provided, single submitter. Criteria: Ambry Variant Classification Scheme 2023. Collection method: clinical testing. Allele origin: germline.

Blueprint Genetics
Classification: Uncertain significance. Last evaluated: 2022-06-28. Review status: criteria provided, single submitter. Criteria: ACMG Guidelines, 2015. Collection method: clinical testing. Allele origin: germline.

Breakthrough Genomics
Classification: Uncertain significance. Review status: criteria provided, single submitter. Criteria: ACMG Guidelines, 2015. Collection method: not provided. Allele origin: germline. Inheritance: Autosomal recessive inheritance. Affected: yes.